The following is an entry in ClinVar:

ClinVar aggregate classification (germline): Pathogenic (1 of 4 stars; one submission).

Conditions:
Asphyxiating thoracic dystrophy 3. Also called: SHORT-RIB THORACIC DYSPLASIA 3 WITH OR WITHOUT POLYDACTYLY; POLYDACTYLY WITH NEONATAL CHONDRODYSTROPHY, TYPE I; SHORT-RIB THORACIC DYSPLASIA 3/6 WITH POLYDACTYLY, DIGENIC; Short rib polydactyly syndrome 2B; Saldino-Noonan Syndrome. Identifiers: Orphanet 474, Orphanet 93269, Orphanet 93270, Orphanet 93271, MedGen C0036069, MONDO:0013127, OMIM 613091.

Submission:

Myriad Genetics, Inc.
Classification: Pathogenic for Asphyxiating thoracic dystrophy 3. Last evaluated: 2025-09-27. Review status: criteria provided, single submitter. Criteria: Myriad Autosomal Dominant, Autosomal Recessive and X-Linked Classification Criteria (2023). Collection method: clinical testing. Allele origin: unknown.
Comment: NM_001377.2(DYNC2H1):c.7661C>G(S2554*) is expected to be pathogenic in the context of DYNC2H1-related disorders. This variant is predicted to lead to an abnormal or absent protein product due to the creation of a premature termination codon in DYNC2H1, a gene where loss-of-function variants are known to be pathogenic. Please note: this variant was assessed in the context of healthy population screening.

NM_001377.3(DYNC2H1):c.7661C>G (p.Ser2554Ter)

Gene: DYNC2H1 (dynein cytoplasmic 2 heavy chain 1; plus strand). Cytogenetic location: 11q22.3.
Variant type: single nucleotide variant.
Coding change: c.7661C>G on transcript NM_001377.3 (MANE Select); coding-DNA position 7661, C replaced by G.
Protein change: p.Ser2554Ter; replaces serine 2554 with a stop codon.
Molecular consequence: nonsense.
Genome position (GRCh38, 1-based): chr11:103,192,217, C>G. VCF-style: chr11-103192217-C-G. GRCh37 (hg19) VCF-style: chr11-103062946-C-G.
Other names: c.7661C>G, p.Ser2554Ter (NM_001080463.2); short protein forms S2554*.
Identifiers: ClinVar variation 5015025 (VCV005015025.1).